The following is an entry in ClinVar:

ClinVar aggregate classification (germline): Conflicting classifications of pathogenicity. Review status: criteria provided, conflicting classifications (1 of 4 stars). 2 submissions from 2 submitters: Uncertain significance (1); Likely benign (1). Last evaluated 2025-09-10.

Conditions:
Temtamy syndrome (TEMTYS). Also called: MENTAL RETARDATION WITH OR WITHOUT CRANIOFACIAL DYSMORPHISM, OCULAR COLOBOMA, OR ABNORMAL CORPUS CALLOSUM. Identifiers: Orphanet 1777, MedGen C1857512, MONDO:0009033, OMIM 218340.

Allele frequency attached by ClinVar (database versions not stated): gnomAD exomes 0.00002 and 0.00006; TOPMed 0.00002; ExAC 0.00004.
gnomAD v4.1: 15 of 1,612,306 alleles (0.00093%); highest among the groups gnomAD compares: Admixed American, 0.023%; no homozygotes.

Submissions (2):

Labcorp Genetics (formerly Invitae), Labcorp
Classification: Likely benign for Temtamy syndrome. Last evaluated: 2025-09-10. Review status: criteria provided, single submitter. Criteria: Invitae Variant Classification Sherloc (09022015). Collection method: clinical testing. Allele origin: germline.

Center for Genomics, Ann and Robert H. Lurie Children's Hospital of Chicago
Classification: Uncertain significance for Temtamy syndrome. Last evaluated: 2022-07-22. Review status: criteria provided, single submitter. Criteria: ACMG Guidelines, 2015. Collection method: clinical testing. Allele origin: germline.
Comment: This variant has not been reported in the literature but is present in the Genome Aggregation Database (Highest reported MAF 0.04% (14/34356). This variant is present in ClinVar (Variation ID:793816). Evolutionary conservation and computational predictive tools for this variant are limited or unavailable. Of note, this variant is a silent variant and does not change the amino acid, reducing the probability that this variant is disease causing. In summary, data on this variant is insufficient for disease classification. Therefore, the clinical significance of this variant is uncertain.

NM_138425.4(C12orf57):c.363C>T (p.Gly121=)

Gene: C12orf57 (chromosome 12 open reading frame 57; plus strand). Cytogenetic location: 12p13.31.
Variant type: single nucleotide variant.
Coding change: c.363C>T on transcript NM_138425.4 (MANE Select); coding-DNA position 363, C replaced by T.
Protein change: p.Gly121=; no amino-acid change (glycine 121 retained).
Molecular consequence: synonymous variant. On other transcripts: non-coding transcript variant (1).
Genome position (GRCh38, 1-based): chr12:6,945,904, C>T. VCF-style: chr12-6945904-C-T. GRCh37 (hg19) VCF-style: chr12-7055067-C-T.
Other names: c.363C>T, p.Gly121= (NM_001301834.1); c.324C>T, p.Gly108= (NM_001301836.2); c.276C>T, p.Gly92= (NM_001301837.2); c.258C>T, p.Gly86= (NM_001301838.2).
Identifiers: ClinVar variation 793816 (VCV000793816.11), dbSNP rs782694267, ClinGen allele CA6421365.
Genomic context (GRCh38, chr12:6,945,904, plus strand): 5'-GCTGAAGGCGCTGTTTCTGCCGCCCATGACCCTGCCACCCCATGGGCCTGCTGCTGGTGG[C>T]AGCGTGGCCGCCTCCTGAGAGTTGGCCCTCCCTTGTGCCACTGCCAGGGGAGGAAAGGCC-3'
Protein context (NP_612434.1, residues 111-126): TLPPHGPAAG[Gly121=]SVAAS